The following is an entry in ClinVar:

ClinVar aggregate classification (germline): Uncertain significance (1 of 4 stars; one submission).

Conditions:
BAP1-related tumor predisposition syndrome (TPDS1). Also called: TUMOR PREDISPOSITION SYNDROME 1; BAP1 tumor predisposition syndrome; Tumor susceptibility linked to germline BAP1 mutations; COMMON Syndrome. Identifiers: Orphanet 289539, MedGen C3280492, MONDO:0013692, OMIM 614327.

Submission:

Labcorp Genetics (formerly Invitae), Labcorp
Classification: Uncertain significance for BAP1-related tumor predisposition syndrome. Last evaluated: 2022-07-09. Review status: criteria provided, single submitter. Criteria: Invitae Variant Classification Sherloc (09022015). Collection method: clinical testing. Allele origin: germline.
Comment: In summary, the available evidence is currently insufficient to determine the role of this variant in disease. Therefore, it has been classified as a Variant of Uncertain Significance. RNA analysis performed to evaluate the impact of this missense change on mRNA splicing indicates it does not significantly alter splicing (Invitae). Algorithms developed to predict the effect of missense changes on protein structure and function (SIFT, PolyPhen-2, Align-GVGD) all suggest that this variant is likely to be tolerated. This variant has not been reported in the literature in individuals affected with BAP1-related conditions. This variant is not present in population databases (gnomAD no frequency). This sequence change replaces methionine, which is neutral and non-polar, with isoleucine, which is neutral and non-polar, at codon 80 of the BAP1 protein (p.Met80Ile).

NM_004656.4(BAP1):c.240G>C (p.Met80Ile)

Gene: BAP1 (BRCA1 associated deubiquitinase 1; minus strand). Cytogenetic location: 3p21.1.
Variant type: single nucleotide variant.
Coding change: c.240G>C on transcript NM_004656.4 (MANE Select); coding-DNA position 240, G replaced by C.
Protein change: p.Met80Ile; replaces methionine 80 with isoleucine.
Molecular consequence: missense variant.
Genome position (GRCh38, 1-based): chr3:52,408,489, C>G on the plus strand (G>C on the coding strand, the complement: BAP1 is on the minus strand). VCF-style: chr3-52408489-C-G. GRCh37 (hg19) VCF-style: chr3-52442505-C-G.
Other names: c.240G>C, p.Met80Ile (NM_001410772.1); short protein forms M80I.
Identifiers: ClinVar variation 2010477 (VCV002010477.4), dbSNP rs755878197, ClinGen allele CA353112949.